The following is an entry in ClinVar:

ClinVar aggregate classification (germline): Benign/Likely benign. Review status: criteria provided, multiple submitters, no conflicts (2 of 4 stars). 3 submissions from 3 submitters: Benign (1); Likely benign (1). 1 of the submissions does not count toward it. Last evaluated 2026-06-01.

Conditions:
Rubinstein-Taybi syndrome due to EP300 haploinsufficiency. Also called: EP300-Related Rubinstein-Taybi Syndrome; RUBINSTEIN-TAYBI SYNDROME 2. Identifiers: Orphanet 353284, Orphanet 783, MedGen C3150941, MONDO:0013364, OMIM 613684.
EP300-related disorder. Also called: EP300-related disorders; EP300-related condition.

Allele frequency attached by ClinVar (database versions not stated): ExAC 0.00005; TOPMed 0.00006; ESP Exome Variant Server 0.00008; gnomAD 0.00008; gnomAD exomes 0.00025.
gnomAD v4.1: 368 of 1,614,010 alleles (0.023%); highest among the groups gnomAD compares: Non-Finnish European, 0.031%; no homozygotes.

Submissions (3):

CeGaT Center for Human Genetics Tuebingen
Classification: Likely benign. Last evaluated: 2026-06-01. Review status: criteria provided, single submitter. Criteria: CeGaT Center For Human Genetics Tuebingen Variant Classification Criteria Version 2. Collection method: clinical testing. Allele origin: germline. Affected: yes. Observed: 3 variant alleles.
Comment: EP300: BP4, BP7

Labcorp Genetics (formerly Invitae), Labcorp
Classification: Benign for Rubinstein-Taybi syndrome due to EP300 haploinsufficiency. Last evaluated: 2025-11-24. Review status: criteria provided, single submitter. Criteria: Invitae Variant Classification Sherloc (09022015). Collection method: clinical testing. Allele origin: germline.

PreventionGenetics, part of Exact Sciences
Classification: Likely benign for EP300-related condition. Last evaluated: 2022-11-08. Review status: no assertion criteria provided. Collection method: clinical testing. Allele origin: germline. Not counted in ClinVar's aggregate classification.
Comment: This variant is classified as likely benign based on ACMG/AMP sequence variant interpretation guidelines (Richards et al. 2015 PMID: 25741868, with internal and published modifications).

NM_001429.4(EP300):c.5559C>A (p.Ala1853=)

Gene: EP300 (EP300 lysine acetyltransferase; plus strand). Cytogenetic location: 22q13.2.
Variant type: single nucleotide variant.
Coding change: c.5559C>A on transcript NM_001429.4 (MANE Select); coding-DNA position 5559, C replaced by A.
Protein change: p.Ala1853=; no amino-acid change (alanine 1853 retained).
Molecular consequence: synonymous variant.
Genome position (GRCh38, 1-based): chr22:41,177,270, C>A. VCF-style: chr22-41177270-C-A. GRCh37 (hg19) VCF-style: chr22-41573274-C-A.
Other names: c.5481C>A, p.Ala1827= (NM_001362843.2); c.5559C>A (NM_001429.3).
Identifiers: ClinVar variation 2190039 (VCV002190039.29), dbSNP rs141691930, ClinGen allele CA10253655.